The following is an entry in ClinVar:

ClinVar aggregate classification (germline): Likely pathogenic (1 of 4 stars; one submission).

Conditions:
Venous malformation (VM). Identifiers: MedGen C2937220, HP:0012721. Disease mechanism: gain of function.

Submission:

Seattle Children's Hospital Molecular Genetics Laboratory, Seattle Children's Hospital
Classification: Likely pathogenic for Venous malformation. Last evaluated: 2021-07-06. Review status: criteria provided, single submitter. Criteria: ACMG Guidelines, 2015. Collection method: clinical testing. Allele origin: unknown. Inheritance: Somatic mutation. Affected: yes. Observed: 1 variant allele, 1 heterozygote.
Comment: A likely pathogenic variant was identified in the TEK gene: NM_000459:c.3314_3315delCCinsTGACCT, resulting in p.T1105Mfs*6. This variant was identified in ~10% of reads (n=1285), consistent with somatic origin. This variant leads to the insertion of a premature stop codon within the last exon (exon 23) of the TEK gene, and is predicted to escape nonsense mediated decay. Although this variant has not been previously reported, we classify it is as likely pathogenic. It is absent from large population databases (gnomAD v2.1), and multiple computational tools predict a deleterious effect. Late truncating mutations in TEK, similar but not identical to the p.T1105Mfs*6 variant, have been reported in individuals with sporadic venous malformations (PMID: 23801934), and functional studies of C-terminal truncating mutations have been shown to lead to ligand-independent kinase activation (PMID: 23801934, 12082108).

Literature cited by the submitters: PubMed 23801934; PubMed 12082108; NCBI Bookshelf 1967.

NM_000459.5(TEK):c.3314_3315delinsTGACCT (p.Thr1105fs)

Gene: TEK (TEK receptor tyrosine kinase; plus strand). Cytogenetic location: 9p21.2.
Variant type: Indel.
Coding change: c.3314_3315delinsTGACCT on transcript NM_000459.5 (MANE Select); coding-DNA positions 3314 to 3315, CC replaced by TGACCT.
Protein change: p.Thr1105fs; shifts the reading frame from threonine 1105.
Molecular consequence: frameshift variant.
Genome position (GRCh38, 1-based): chr9:27,229,171-27,229,172, CC replaced by TGACCT. VCF-style: chr9-27229171-CC-TGACCT. GRCh37 (hg19) VCF-style: chr9-27229169-CC-TGACCT.
Other names: c.3185_3186delCCinsTGACCT, p.Thr1062Metfs (NM_001290077.2); c.2870_2871delCCinsTGACCT, p.Thr957Metfs (NM_001290078.2); c.3311_3312delinsTGACCT, p.Thr1104fs (NM_001375475.1); c.3182_3183delinsTGACCT, p.Thr1061fs (NM_001375476.1); short protein forms T1061fs, T1062fs, T1104fs, T1105fs, T957fs.
Identifiers: ClinVar variation 1177292 (VCV001177292.1), dbSNP rs2131267739, ClinGen allele CA2499219833.